The following is an entry in ClinVar:

NM_002880.4(RAF1):c.1178A>C (p.Glu393Ala)

Gene: RAF1 (Raf-1 proto-oncogene, serine/threonine kinase; minus strand). Cytogenetic location: 3p25.2.
Variant type: single nucleotide variant.
Coding change: c.1178A>C on transcript NM_002880.4 (MANE Select); coding-DNA position 1178, A replaced by C.
Protein change: p.Glu393Ala; replaces glutamic acid 393 with alanine.
Molecular consequence: missense variant. On other transcripts: non-coding transcript variant (3).
Genome position (GRCh38, 1-based): chr3:12,591,723, T>G on the plus strand (A>C on the coding strand, the complement: RAF1 is on the minus strand). VCF-style: chr3-12591723-T-G. GRCh37 (hg19) VCF-style: chr3-12633222-T-G.
Other names: c.1238A>C, p.Glu413Ala (NM_001354689.3); c.1178A>C, p.Glu393Ala (NM_001354690.3); c.935A>C, p.Glu312Ala (NM_001354691.3, NM_001354692.3); c.1079A>C, p.Glu360Ala (NM_001354693.3); c.995A>C, p.Glu332Ala (NM_001354694.3); c.836A>C, p.Glu279Ala (NM_001354695.3); short protein forms E393A, E360A, E312A, E279A, E332A, E413A.
Identifiers: ClinVar variation 283158 (VCV000283158.7), dbSNP rs886042569, ClinGen allele CA10604410.

ClinVar aggregate classification (germline): Uncertain significance. Review status: criteria provided, multiple submitters, no conflicts (2 of 4 stars). 2 submissions from 2 submitters: Uncertain significance (2). Last evaluated 2022-07-19.

Conditions:
Cardiovascular phenotype. Identifiers: MedGen CN230736.

Submissions (2):

Ambry Genetics
Classification: Uncertain significance for Cardiovascular phenotype. Last evaluated: 2022-07-19. Review status: criteria provided, single submitter. Criteria: Ambry Variant Classification Scheme 2023. Collection method: clinical testing. Allele origin: germline.
Comment: The p.E393A variant (also known as c.1178A>C), located in coding exon 10 of the RAF1 gene, results from an A to C substitution at nucleotide position 1178. The glutamic acid at codon 393 is replaced by alanine, an amino acid with dissimilar properties. This amino acid position is conserved. In addition, this alteration is predicted to be deleterious by in silico analysis. Since supporting evidence is limited at this time, the clinical significance of this alteration remains unclear.

Eurofins Ntd Llc (ga)
Classification: Uncertain significance. Last evaluated: 2015-09-29. Review status: criteria provided, single submitter. Criteria: EGL Classification Definitions 2015. Collection method: clinical testing. Allele origin: germline. Observed: 1 variant allele, 1 heterozygote.